The following is an entry in ClinVar:

NM_000051.4(ATM):c.2937G>C (p.Leu979Phe)

Gene: ATM (ATM serine/threonine kinase; plus strand). Cytogenetic location: 11q22.3.
Variant type: single nucleotide variant.
Coding change: c.2937G>C on transcript NM_000051.4 (MANE Select); coding-DNA position 2937, G replaced by C.
Protein change: p.Leu979Phe; replaces leucine 979 with phenylalanine.
Molecular consequence: missense variant.
Genome position (GRCh38, 1-based): chr11:108,271,266, G>C. VCF-style: chr11-108271266-G-C. GRCh37 (hg19) VCF-style: chr11-108141993-G-C.
Other names: c.2937G>C, p.Leu979Phe (NM_001351834.2); short protein forms L979F.
Identifiers: ClinVar variation 478968 (VCV000478968.7), dbSNP rs1166904824, ClinGen allele CA382547126.

ClinVar aggregate classification (germline): Uncertain significance. Review status: criteria provided, multiple submitters, no conflicts (2 of 4 stars). 2 submissions from 2 submitters: Uncertain significance (2). Last evaluated 2024-11-28.

Conditions:
Hereditary cancer-predisposing syndrome. Also called: Tumor predisposition; Neoplastic Syndromes, Hereditary; Hereditary Cancer Syndrome; Hereditary neoplastic syndrome. Identifiers: Orphanet 140162, MedGen C0027672, MeSH D009386, MONDO:0015356.
Ataxia-telangiectasia syndrome (AT). Also called: Cerebello-oculocutaneous telangiectasia; Immunodeficiency with ataxia telangiectasia; ATAXIA-TELANGIECTASIA, COMPLEMENTATION GROUP A; Ataxia-telangiectasia, complementation group D; AT, COMPLEMENTATION GROUP C; ATAXIA-TELANGIECTASIA, FRESNO VARIANT. Identifiers: Orphanet 100, MedGen C0004135, MONDO:0008840, OMIM 208900.

Submissions (2):

Labcorp Genetics (formerly Invitae), Labcorp
Classification: Uncertain significance for Ataxia-telangiectasia syndrome. Last evaluated: 2024-11-28. Review status: criteria provided, single submitter. Criteria: Invitae Variant Classification Sherloc (09022015). Collection method: clinical testing. Allele origin: germline.
Comment: This sequence change replaces leucine, which is neutral and non-polar, with phenylalanine, which is neutral and non-polar, at codon 979 of the ATM protein (p.Leu979Phe). This variant is not present in population databases (gnomAD no frequency). This variant has not been reported in the literature in individuals affected with ATM-related conditions. ClinVar contains an entry for this variant (Variation ID: 478968). Invitae Evidence Modeling of protein sequence and biophysical properties (such as structural, functional, and spatial information, amino acid conservation, physicochemical variation, residue mobility, and thermodynamic stability) indicates that this missense variant is not expected to disrupt ATM protein function with a negative predictive value of 95%. In summary, the available evidence is currently insufficient to determine the role of this variant in disease. Therefore, it has been classified as a Variant of Uncertain Significance.

Ambry Genetics
Classification: Uncertain significance for Hereditary cancer-predisposing syndrome. Last evaluated: 2024-01-24. Review status: criteria provided, single submitter. Criteria: Ambry Variant Classification Scheme 2023. Collection method: clinical testing. Allele origin: germline.
Comment: The p.L979F variant (also known as c.2937G>C), located in coding exon 19 of the ATM gene, results from a G to C substitution at nucleotide position 2937. The leucine at codon 979 is replaced by phenylalanine, an amino acid with highly similar properties. This variant was not reported in population based cohorts in the following databases: Database of Single Nucleotide Polymorphisms (dbSNP), NHLBI Exome Sequencing Project (ESP), and 1000 Genomes Project. In the ESP, this variant was not observed in 6499 samples (12998 alleles) with coverage at this position. To date, this alteration has been detected with an allele frequency of approximately 0.001% (greater than 125000 alleles tested) in our clinical cohort. This amino acid position is well conserved in available vertebrate species. In addition, this alteration is predicted to be tolerated by in silico analysis. Since supporting evidence is limited at this time, the clinical significance of this alteration remains unclear.